The following is an entry in ClinVar:

ClinVar aggregate classification (germline): Benign (1 of 4 stars; one submission).

Allele frequency attached by ClinVar (database versions not stated): ESP Exome Variant Server 0.55020; 1000 Genomes Project 0.69189.

Submission:

GeneDx
Classification: Benign. Last evaluated: 2020-02-18. Review status: criteria provided, single submitter. Criteria: GeneDx Variant Classification Process June 2021. Collection method: clinical testing. Allele origin: germline. Affected: yes.
Comment: This variant is associated with the following publications: (PMID: 30476138)

NM_002117.6(HLA-C):c.97G>T (p.Asp33Tyr)

Gene: HLA-C (major histocompatibility complex, class I, C; minus strand). Cytogenetic location: 6p21.33.
Variant type: single nucleotide variant.
Coding change: c.97G>T on transcript NM_002117.6 (MANE Select); coding-DNA position 97, G replaced by T.
Protein change: p.Asp33Tyr; replaces aspartic acid 33 with tyrosine.
Molecular consequence: missense variant.
Genome position (GRCh38, 1-based): chr6:31,271,845, C>A on the plus strand (G>T on the coding strand, the complement: HLA-C is on the minus strand). VCF-style: chr6-31271845-C-A. GRCh37 (hg19) VCF-style: chr6-31239622-C-A.
Other names: c.97G>T, p.Asp33Tyr (NM_001243042.1); short protein forms D33Y.
Identifiers: ClinVar variation 1246876 (VCV001246876.2), dbSNP rs9264668, ClinGen allele CA3710972.